The following is an entry in ClinVar:

ClinVar aggregate classification (germline): Likely benign (1 of 4 stars; one submission).

Conditions:
Griscelli syndrome type 1 (GS1). Also called: PARTIAL ALBINISM AND PRIMARY NEUROLOGIC DISEASE WITHOUT HEMOPHAGOCYTIC SYNDROME; GRISCELLI SYNDROME WITH NEUROLOGIC IMPAIRMENT; GRISCELLI SYNDROME, CUTANEOUS AND NEUROLOGIC TYPE. Identifiers: Orphanet 381, Orphanet 79476, MedGen C1859194, MONDO:0008962, OMIM 214450.

gnomAD v4.1: 4 of 1,614,092 alleles (0.00025%); highest among the groups gnomAD compares: Middle Eastern, 0.033%; no homozygotes.

Submission:

Center for Genomics, Ann and Robert H. Lurie Children's Hospital of Chicago
Classification: Likely benign for Griscelli syndrome type 1. Last evaluated: 2022-10-13. Review status: criteria provided, single submitter. Criteria: ACMG Guidelines, 2015. Collection method: clinical testing. Allele origin: germline.
Comment: This variant has not been reported in the literature but is present in the Genome Aggregation Database (Highest reported MAF: 0.009% [1/113088]). Of note, this is a silent variant and does not change the amino acid, is not predicted to impact splicing, and this nucleotide position is not evolutionary conserved, reducing the probability that this variant is disease-causing. In summary, data on this variant suggests that this variant does not cause disease but requires further evidence. Therefore, this variant is classified as likely benign.

NM_001382347.1(MYO5A):c.534A>C (p.Arg178=)

Gene: MYO5A (myosin VA; minus strand). Cytogenetic location: 15q21.2.
Variant type: single nucleotide variant.
Coding change: c.534A>C on transcript NM_001382347.1 (MANE Select); coding-DNA position 534, A replaced by C.
Protein change: p.Arg178=; no amino-acid change (arginine 178 retained).
Molecular consequence: synonymous variant.
Genome position (GRCh38, 1-based): chr15:52,416,223, T>G on the plus strand (A>C on the coding strand, the complement: MYO5A is on the minus strand). VCF-style: chr15-52416223-T-G. GRCh37 (hg19) VCF-style: chr15-52708420-T-G.
Other names: c.534A>C, p.Arg178= (NM_000259.3, NM_001142495.2, NM_001411135.1); c.606A>C, p.Arg202= (NM_001382348.1, NM_001382349.1).
Identifiers: ClinVar variation 2500061 (VCV002500061.1), dbSNP rs748268948, ClinGen allele CA7569202.